The following is an entry in ClinVar:

ClinVar aggregate classification (germline): Pathogenic (1 of 4 stars; one submission).

Conditions:
Hereditary hemorrhagic telangiectasia (HHT). Also called: ORW DISEASE; Osler Weber Rendu syndrome; OSLER-RENDU-WEBER DISEASE; Osler hemorrhagic telangiectasia syndrome. Identifiers: Orphanet 774, MedGen C0039445, MONDO:0019180. Disease mechanism: loss of function.

Submission:

Labcorp Genetics (formerly Invitae), Labcorp
Classification: Pathogenic for Hereditary hemorrhagic telangiectasia. Last evaluated: 2024-12-04. Review status: criteria provided, single submitter. Criteria: Invitae Variant Classification Sherloc (09022015). Collection method: clinical testing. Allele origin: germline.
Comment: This sequence change creates a premature translational stop signal (p.Gly453Alafs*38) in the ENG gene. It is expected to result in an absent or disrupted protein product. Loss-of-function variants in ENG are known to be pathogenic (PMID: 15879500). This variant is not present in population databases (gnomAD no frequency). This variant has not been reported in the literature in individuals affected with ENG-related conditions. ClinVar contains an entry for this variant (Variation ID: 2039483). For these reasons, this variant has been classified as Pathogenic.

Literature cited by the submitters: PubMed 15879500.

NM_001114753.3(ENG):c.1358del (p.Gly453fs)

Genes: ENG (endoglin; minus strand), LOC102723566 (uncharacterized LOC102723566; plus strand). Cytogenetic location: 9q34.11.
Variant type: Deletion.
Coding change: c.1358del on transcript NM_001114753.3 (MANE Select); coding-DNA position 1358, one base deleted (G; older notation c.1358delG).
Protein change: p.Gly453fs; shifts the reading frame from glycine 453.
Molecular consequence: frameshift variant.
Genome position (GRCh38, 1-based): chr9:127,818,786, C deleted on the plus strand (G on the coding strand, the reverse complement: ENG is on the minus strand); the first of 3 consecutive C bases (chr9:127,818,786-127,818,788); deleting any one gives the same sequence. VCF-style (leftmost placement, unchanged base first): chr9-127818785-GC-G. GRCh37 (hg19) VCF-style: chr9-130581064-GC-G.
Other names: c.1356delG, p.Gly453Alafs (NM_000118.4); c.812del, p.Gly271fs (NM_001278138.2); short protein forms G271fs, G453fs.
Identifiers: ClinVar variation 2039483 (VCV002039483.4), dbSNP rs2539061045, ClinGen allele CA2580079678.